The following is an entry in ClinVar:

NM_000465.4(BARD1):c.49G>A (p.Gly17Arg)

Gene: BARD1 (BRCA1 associated RING domain 1; minus strand). Cytogenetic location: 2q35.
Variant type: single nucleotide variant.
Coding change: c.49G>A on transcript NM_000465.4 (MANE Select); coding-DNA position 49, G replaced by A.
Protein change: p.Gly17Arg; replaces glycine 17 with arginine.
Molecular consequence: missense variant. On other transcripts: non-coding transcript variant (3).
Genome position (GRCh38, 1-based): chr2:214,809,521, C>T on the plus strand (G>A on the coding strand, the complement: BARD1 is on the minus strand). VCF-style: chr2-214809521-C-T. GRCh37 (hg19) VCF-style: chr2-215674245-C-T.
Other names: c.49G>A, p.Gly17Arg (NM_001282543.2, NM_001282545.2, NM_001282548.2 and 1 more transcripts); short protein forms G17R.
Identifiers: ClinVar variation 186013 (VCV000186013.26), dbSNP rs746495820, ClinGen allele CA193627.

ClinVar aggregate classification (germline): Uncertain significance. Review status: criteria provided, multiple submitters, no conflicts (2 of 4 stars). 8 submissions from 8 submitters: Uncertain significance (8). Last evaluated 2026-01-16.

Conditions:
Hereditary cancer-predisposing syndrome. Also called: Hereditary neoplastic syndrome; Neoplastic Syndromes, Hereditary; Tumor predisposition; Hereditary Cancer Syndrome. Identifiers: Orphanet 140162, MedGen C0027672, MeSH D009386, MONDO:0015356.
Familial cancer of breast. Also called: BREAST CANCER, FAMILIAL; Hereditary breast cancer; hereditary breast carcinoma. Identifiers: Orphanet 227535, MedGen C0346153, MONDO:0016419, OMIM 114480. Disease mechanism: loss of function.

Allele frequency attached by ClinVar (database versions not stated): TOPMed below 0.00001; gnomAD exomes 0.00001; ExAC 0.00002.
gnomAD v4.1: 11 of 1,592,310 alleles (0.00069%); highest among the groups gnomAD compares: Admixed American, 0.0017%; no homozygotes.

Submissions (8):

Labcorp Genetics (formerly Invitae), Labcorp
Classification: Uncertain significance for Familial cancer of breast. Last evaluated: 2026-01-16. Review status: criteria provided, single submitter. Criteria: Invitae Variant Classification Sherloc (09022015). Collection method: clinical testing. Allele origin: germline.
Comment: This sequence change replaces glycine, which is neutral and non-polar, with arginine, which is basic and polar, at codon 17 of the BARD1 protein (p.Gly17Arg). The frequency data for this variant in the population databases is considered unreliable, as metrics indicate poor data quality at this position in the gnomAD database. This variant has not been reported in the literature in individuals affected with BARD1-related conditions. ClinVar contains an entry for this variant (Variation ID: 186013). An algorithm developed to predict the effect of missense changes on protein structure and function (PolyPhen-2) suggests that this variant is likely to be disruptive. In summary, the available evidence is currently insufficient to determine the role of this variant in disease. Therefore, it has been classified as a Variant of Uncertain Significance.

Ambry Genetics
Classification: Uncertain significance for Hereditary cancer-predisposing syndrome. Last evaluated: 2025-11-18. Review status: criteria provided, single submitter. Criteria: Ambry Variant Classification Scheme 2023. Collection method: clinical testing. Allele origin: germline.
Comment: The p.G17R variant (also known as c.49G>A), located in coding exon 1 of the BARD1 gene, results from a G to A substitution at nucleotide position 49. The glycine at codon 17 is replaced by arginine, an amino acid with dissimilar properties. This amino acid position is highly conserved in available vertebrate species. In addition, the in silico prediction for this alteration is inconclusive. Based on the available evidence, the clinical significance of this variant remains unclear.

Baylor Genetics
Classification: Uncertain significance for Familial cancer of breast. Last evaluated: 2024-02-21. Review status: criteria provided, single submitter. Criteria: ACMG Guidelines, 2015. Collection method: clinical testing. Allele origin: unknown.

GeneDx
Classification: Uncertain significance. Last evaluated: 2024-01-26. Review status: criteria provided, single submitter. Criteria: GeneDx Variant Classification Process June 2021. Collection method: clinical testing. Allele origin: germline. Affected: yes.
Comment: Not observed at significant frequency in large population cohorts (gnomAD); In silico analysis supports that this missense variant does not alter protein structure/function; Has not been previously published as pathogenic or benign to our knowledge; This variant is associated with the following publications: (PMID: 31036035)

Color Diagnostics, LLC DBA Color Health
Classification: Uncertain significance for Hereditary cancer-predisposing syndrome. Last evaluated: 2023-12-11. Review status: criteria provided, single submitter. Criteria: ACMG Guidelines, 2015. Collection method: clinical testing. Allele origin: germline.
Comment: This missense variant replaces glycine with arginine at codon 17 of the BARD1 protein. Computational prediction suggests that this variant may not impact protein structure and function. To our knowledge, functional studies have not been reported for this variant. This variant has not been reported in individuals affected with hereditary cancer in the literature. This variant has been identified in 2/208470 chromosomes in the general population by the Genome Aggregation Database (gnomAD). The available evidence is insufficient to determine the role of this variant in disease conclusively. Therefore, this variant is classified as a Variant of Uncertain Significance.

KCCC/NGS Laboratory, Kuwait Cancer Control Center
Classification: Uncertain significance for Familial cancer of breast. Last evaluated: 2023-07-07. Review status: criteria provided, single submitter. Criteria: ACMG Guidelines, 2015. Collection method: clinical testing. Allele origin: unknown. Affected: yes.
Comment: For the BRAD1 variant, the sequence change replaces glycine with arginine at codon 17 of the BARD1 protein (p.Gly17Arg). The glycine residue is moderately conserved and there is a moderate physicochemical difference between glycine and arginine. This variant is present in population databases (rs746495820, ExAC 0.0004%). This variant has not been reported in the literature in individuals with BARD1-related disease. ClinVar contains an entry for this variant (Variation ID: 186013). in-silico simulators to predict the effect of missense changes on protein structure and function showed (SIFT: "deleterious" low-confidence; PolyPhen-2: "probably-damaging”). Therefore, it has been classified as a Variant of Uncertain Significance.

Women's Health and Genetics/Laboratory Corporation of America, LabCorp
Classification: Uncertain significance. Last evaluated: 2023-02-13. Review status: criteria provided, single submitter. Criteria: LabCorp Variant Classification Summary - May 2015. Collection method: clinical testing. Allele origin: germline.
Comment: Variant summary: BARD1 c.49G>A (p.Gly17Arg) results in a non-conservative amino acid change in the encoded protein sequence. Four of five in-silico tools predict a damaging effect of the variant on protein function. The variant allele was found at a frequency of 9.6e-06 in 208470 control chromosomes. The available data on variant occurrences in the general population are insufficient to allow any conclusion about variant significance. To our knowledge, c.49G>A has not been reported in the literature in individuals affected with Breast Cancer. And no experimental evidence demonstrating an impact on protein function has been reported. Five clinical diagnostic laboratories have submitted clinical-significance assessments for this variant to ClinVar after 2014 without evidence for independent evaluation. All laboratories classified the variant as uncertain significance. Based on the evidence outlined above, the variant was classified as uncertain significance.

Sema4
Classification: Uncertain significance for Hereditary cancer-predisposing syndrome. Last evaluated: 2021-11-18. Review status: criteria provided, single submitter. Criteria: Sema4 Curation Guidelines. Collection method: curation. Allele origin: germline.
Comment: The BARD1 c.49G>A (p.G17R) variant has been reported in 1 control subject (PMID: 31036035). It was observed in 2/91562 chromosomes of the Non-Finnish European (NFE) subpopulation in the large and broad cohorts of the Genome Aggregation Database (PMID: 32461654). The variant has been reported in ClinVar (Variation ID 186013). Functional studies have not been performed, and in silico predictions of the variant's effect on protein function are inconclusive. The evidence is insufficient to meet ACMG/AMP criteria for classifying the variant as benign or pathogenic. Thus, the clinical significance of this variant is currently uncertain.

Literature cited by the submitters: PubMed 31036035 (cited by Women's Health and Genetics/Laboratory Corporation of America, LabCorp and Sema4).